The following is an entry in ClinVar:

NM_004370.6(COL12A1):c.2496A>T (p.Leu832Phe)

Gene: COL12A1 (collagen type XII alpha 1 chain; minus strand). Cytogenetic location: 6q13.
Variant type: single nucleotide variant.
Coding change: c.2496A>T on transcript NM_004370.6 (MANE Select); coding-DNA position 2496, A replaced by T.
Protein change: p.Leu832Phe; replaces leucine 832 with phenylalanine.
Molecular consequence: missense variant. On other transcripts: intron variant (1).
Genome position (GRCh38, 1-based): chr6:75,175,252, T>A on the plus strand (A>T on the coding strand, the complement: COL12A1 is on the minus strand). VCF-style: chr6-75175252-T-A. GRCh37 (hg19) VCF-style: chr6-75884968-T-A.
Other names: c.74-22770A>T (NM_080645.3); short protein forms L832F.
Identifiers: ClinVar variation 542487 (VCV000542487.11), dbSNP rs199992321, ClinGen allele CA3893958.

ClinVar aggregate classification (germline): Uncertain significance. Review status: criteria provided, multiple submitters, no conflicts (2 of 4 stars). 3 submissions from 3 submitters: Uncertain significance (3). Last evaluated 2026-02-25.

Conditions:
Ullrich congenital muscular dystrophy 2 (UCMD2). Identifiers: Orphanet 75840, MedGen C4225314, MONDO:0014654, OMIM 616470.
Bethlem myopathy 2 (BTHLM2). Identifiers: Orphanet 536516, Orphanet 610, MedGen C4225313, MONDO:0034022, OMIM 616471.

Allele frequency attached by ClinVar (database versions not stated): gnomAD exomes 0.00003 and 0.00005; gnomAD 0.00005 and 0.00006; ExAC 0.00007; TOPMed 0.00007; ESP Exome Variant Server 0.00025.
gnomAD v4.1: 49 of 1,614,234 alleles (0.003%); highest among the groups gnomAD compares: Admixed American, 0.017%; no homozygotes.

Submissions (3):

Women's Health and Genetics/Laboratory Corporation of America, LabCorp
Classification: Uncertain significance. Last evaluated: 2026-02-25. Review status: criteria provided, single submitter. Criteria: LabCorp Variant Classification Summary - May 2015. Collection method: clinical testing. Allele origin: germline.
Comment: Variant summary: COL12A1 c.2496A>T (p.Leu832Phe) results in a non-conservative amino acid change in the encoded protein sequence. Algorithms developed to predict the effect of missense changes on protein structure and function are either unavailable or do not agree on the potential impact of this missense change. The variant allele was found at a frequency of 5.2e-05 in 249388 control chromosomes. This frequency is not significantly higher than estimated for disease-causing variants in COL12A1, allowing no conclusion about variant significance. c.2496A>T has been observed in a heterozygous individual affected with unclassified syndromic joint hypermobility (e.g. Leone_2023). These report(s) do not provide unequivocal conclusions about association of the variant with Ullrich congenital muscular dystrophy 2. To our knowledge, no experimental evidence demonstrating an impact on protein function has been reported. The following publication has been ascertained in the context of this evaluation (PMID: 37079061). ClinVar contains an entry for this variant (Variation ID: 542487). Based on the evidence outlined above, the variant was classified as uncertain significance.

Labcorp Genetics (formerly Invitae), Labcorp
Classification: Uncertain significance for Bethlem myopathy 2; Ullrich congenital muscular dystrophy 2. Last evaluated: 2025-11-06. Review status: criteria provided, single submitter. Criteria: Invitae Variant Classification Sherloc (09022015). Collection method: clinical testing. Allele origin: germline.
Comment: This sequence change replaces leucine, which is neutral and non-polar, with phenylalanine, which is neutral and non-polar, at codon 832 of the COL12A1 protein (p.Leu832Phe). This variant is present in population databases (rs199992321, gnomAD 0.009%). This missense change has been observed in individual(s) with clinical features of COL12A1-related conditions (PMID: 37079061). ClinVar contains an entry for this variant (Variation ID: 542487). Invitae Evidence Modeling of protein sequence and biophysical properties (such as structural, functional, and spatial information, amino acid conservation, physicochemical variation, residue mobility, and thermodynamic stability) indicates that this missense variant is not expected to disrupt COL12A1 protein function with a negative predictive value of 80%. In summary, the available evidence is currently insufficient to determine the role of this variant in disease. Therefore, it has been classified as a Variant of Uncertain Significance.

GeneDx
Classification: Uncertain significance. Last evaluated: 2022-11-28. Review status: criteria provided, single submitter. Criteria: GeneDx Variant Classification Process June 2021. Collection method: clinical testing. Allele origin: germline. Affected: yes.
Comment: In silico analysis supports that this missense variant does not alter protein structure/function; Has not been previously published as pathogenic or benign to our knowledge

Literature cited by the submitters: PubMed 37079061 (cited by Women's Health and Genetics/Laboratory Corporation of America, LabCorp and Labcorp Genetics (formerly Invitae), Labcorp).